The following is an entry in ClinVar:

ClinVar aggregate classification (germline): Pathogenic (1 of 4 stars; one submission).

Conditions:
Neuronal ceroid lipofuscinosis. Also called: Neuronal Ceroid Lipofuscinoses. Identifiers: Orphanet 216, Orphanet 79263, MedGen C0027877, MONDO:0016295. Disease mechanism: loss of function.

Submission:

Labcorp Genetics (formerly Invitae), Labcorp
Classification: Pathogenic for Neuronal ceroid lipofuscinosis. Last evaluated: 2020-02-05. Review status: criteria provided, single submitter. Criteria: Invitae Variant Classification Sherloc (09022015). Collection method: clinical testing. Allele origin: germline.
Comment: For these reasons, this variant has been classified as Pathogenic. Loss-of-function variants in CLN3 are known to be pathogenic (PMID: 9311735, 28542676). This variant has not been reported in the literature in individuals with CLN3-related conditions. This variant is not present in population databases (ExAC no frequency). This sequence change creates a premature translational stop signal (p.Glu15*) in the CLN3 gene. It is expected to result in an absent or disrupted protein product.

Literature cited by the submitters: PubMed 9311735; PubMed 28542676.

NM_001042432.2(CLN3):c.43G>T (p.Glu15Ter)

Gene: CLN3 (CLN3 lysosomal/endosomal transmembrane protein, battenin; minus strand). Cytogenetic location: 16p12.1.
Variant type: single nucleotide variant.
Coding change: c.43G>T on transcript NM_001042432.2 (MANE Select); coding-DNA position 43, G replaced by T.
Protein change: p.Glu15Ter; replaces glutamic acid 15 with a stop codon.
Molecular consequence: nonsense. On other transcripts: 5 prime UTR variant (3).
Genome position (GRCh38, 1-based): chr16:28,491,717, C>A on the plus strand (G>T on the coding strand, the complement: CLN3 is on the minus strand). VCF-style: chr16-28491717-C-A. GRCh37 (hg19) VCF-style: chr16-28503038-C-A.
Other names: c.43G>T, p.Glu15Ter (NM_000086.2, NM_001286104.2); c.-99G>T (NM_001286105.2); c.-41G>T (NM_001286109.2, NM_001286110.2); short protein forms E15*.
Identifiers: ClinVar variation 1072038 (VCV001072038.7), dbSNP rs1228953213, ClinGen allele CA395347505.
Genomic context (GRCh38, chr16:28,491,717, plus strand): 5'-TCAGGTGGGCTGCGAGCCAGAGGTGGTCGTTCCATGAGGGTGGGCGGGAATACTCACCCT[C>A]GGAATCCGAAAAGCGCCGCCGCGAGCCTGCACAGCCTCCCATCGCATCAAGTTCAGGTCC-3'